The following is an entry in ClinVar:

ClinVar aggregate classification (germline): Pathogenic (1 of 4 stars; one submission).

Conditions:
Hereditary breast ovarian cancer syndrome. Also called: Hereditary breast and ovarian cancer syndrome; Hereditary breast and ovarian cancer syndrome (HBOC); Hereditary breast and/or ovarian cancer syndrome; Hereditary breast and ovarian cancer; Breast and ovarian cancer; BRCA1- and BRCA2-Associated Hereditary Breast and Ovarian Cancer. Identifiers: Orphanet 145, MedGen C0677776, MeSH D061325, MONDO:0003582. Disease mechanism: loss of function.

Submission:

Labcorp Genetics (formerly Invitae), Labcorp
Classification: Pathogenic for Hereditary breast ovarian cancer syndrome. Last evaluated: 2024-02-29. Review status: criteria provided, single submitter. Criteria: Invitae Variant Classification Sherloc (09022015). Collection method: clinical testing. Allele origin: germline.
Comment: This sequence change creates a premature translational stop signal (p.Gln2499Lysfs*39) in the BRCA2 gene. It is expected to result in an absent or disrupted protein product. Loss-of-function variants in BRCA2 are known to be pathogenic (PMID: 20104584). This variant is not present in population databases (gnomAD no frequency). This variant has not been reported in the literature in individuals affected with BRCA2-related conditions. For these reasons, this variant has been classified as Pathogenic.

Literature cited by the submitters: PubMed 20104584.

NM_000059.4(BRCA2):c.7495_7496del (p.Gln2499fs)

Gene: BRCA2 (BRCA2 DNA repair associated; plus strand). Cytogenetic location: 13q13.1.
Variant type: Deletion.
Coding change: c.7495_7496del on transcript NM_000059.4 (MANE Select); coding-DNA positions 7495 to 7496, 2 bases deleted (CA; older notation c.7495_7496delCA).
Protein change: p.Gln2499fs; shifts the reading frame from glutamine 2499.
Molecular consequence: frameshift variant. On other transcripts: non-coding transcript variant (1).
Genome position (GRCh38, 1-based): chr13:32,356,487-32,356,488, CA deleted; deleting any 2 consecutive bases within chr13:32,356,486-32,356,488 gives the same sequence; the c. name uses the placement nearest the transcript's 3' end. VCF-style (leftmost placement, unchanged base first): chr13-32356485-AAC-A. GRCh37 (hg19) VCF-style: chr13-32930622-AAC-A.
Other names: c.7399_7400del, p.Gln2467fs (NM_001406719.1); c.7495_7496del, p.Gln2499fs (NM_001406720.1); c.2563_2564del, p.Gln855fs (NM_001406721.1); c.1078_1079del, p.Gln360fs (NM_001406722.1); short protein forms Q360fs, Q2467fs, Q2499fs, Q855fs.
Identifiers: ClinVar variation 2710598 (VCV002710598.3), dbSNP rs2548541410, ClinGen allele CA2697551777.